The following is an entry in ClinVar:

NM_001163560.3(MEIOB):c.1072_1073del (p.Met358fs)

Genes: FAHD1 (FAH domain containing oxaloacetate decarboxylase 1; plus strand), MEIOB (meiosis specific with OB-fold; minus strand). Cytogenetic location: 16p13.3.
Variant type: Deletion.
Coding change: c.1072_1073del on transcript NM_001163560.3 (MANE Select); coding-DNA positions 1072 to 1073, 2 bases deleted (AT; older notation c.1072_1073delAT).
Protein change: p.Met358fs; shifts the reading frame from methionine 358.
Molecular consequence: frameshift variant. On other transcripts: 3 prime UTR variant (2).
Genome position (GRCh38, 1-based): chr16:1,839,400-1,839,401, AT deleted on the plus strand (AT on the coding strand, the reverse complement: MEIOB is on the minus strand). VCF-style (leftmost placement, unchanged base first): chr16-1839399-CAT-C. GRCh37 (hg19) VCF-style: chr16-1889400-CAT-C.
Other names: c.1072_1073del, p.Met358fs (NM_152764.3); c.*147_*148del (NM_001018104.3); c.*94_*95del (NM_001142398.2); short protein forms M358fs.
Identifiers: ClinVar variation 2691781 (VCV002691781.3), dbSNP rs779513355, ClinGen allele CA7821767.

ClinVar aggregate classification (germline): Likely pathogenic. Review status: criteria provided, single submitter (1 of 4 stars). 3 submissions from 2 submitters: Likely pathogenic (1). 2 of the submissions do not count toward it.

Conditions:
Spermatogenic failure 22. Identifiers: MedGen C4540179, MONDO:0054726, OMIM 617706.
Premature ovarian failure 23 (POF23). Identifiers: MedGen C5882747, MONDO:0958035, OMIM 620686.

Allele frequency attached by ClinVar (database versions not stated): TOPMed 0.00003; gnomAD 0.00003; 1000 Genomes Project 30x 0.00031; ExAC 0.00002; gnomAD exomes 0.00002; ESP Exome Variant Server 0.00008.

Submissions (3):

Juno Genomics, Hangzhou Juno Genomics, Inc
Classification: Likely pathogenic for Premature ovarian failure 23; Spermatogenic failure 22. Review status: criteria provided, single submitter. Criteria: ACMG Guidelines, 2015. Collection method: clinical testing. Allele origin: germline. Affected: yes.
Comment: Absent from controls (or at extremely low frequency if recessive) in Genome Aggregation Database, Exome Sequencing Project, 1000 Genomes Project, or Exome Aggregation Consortium.;Null variant in a gene where loss of function (LOF) is a known mechanism of disease.

OMIM
Classification: Pathogenic for SPERMATOGENIC FAILURE 22. Last evaluated: 2024-01-22. Review status: no assertion criteria provided. Collection method: literature only. Allele origin: germline. Not counted in ClinVar's aggregate classification.

OMIM
Classification: Pathogenic for PREMATURE OVARIAN FAILURE 23. Last evaluated: 2024-01-22. Review status: no assertion criteria provided. Collection method: literature only. Allele origin: germline. Not counted in ClinVar's aggregate classification.

Literature cited by the submitters: PubMed 35991565 (cited by OMIM).